The following is an entry in ClinVar:

ClinVar aggregate classification (germline): Uncertain significance. Review status: criteria provided, multiple submitters, no conflicts (2 of 4 stars). 2 submissions from 2 submitters: Uncertain significance (2). Last evaluated 2025-06-17.

Allele frequency attached by ClinVar (database versions not stated): ESP Exome Variant Server 0.00016.
gnomAD v4.1: 62 of 1,611,364 alleles (0.0038%); highest among the groups gnomAD compares: African/African-American, 0.076%; no homozygotes.

Submissions (2):

Labcorp Genetics (formerly Invitae), Labcorp
Classification: Uncertain significance. Last evaluated: 2025-06-17. Review status: criteria provided, single submitter. Criteria: Invitae Variant Classification Sherloc (09022015). Collection method: clinical testing. Allele origin: germline.
Comment: This sequence change replaces asparagine, which is neutral and polar, with lysine, which is basic and polar, at codon 378 of the RELB protein (p.Asn378Lys). This variant is present in population databases (rs370104310, gnomAD 0.07%), and has an allele count higher than expected for a pathogenic variant. This variant has not been reported in the literature in individuals affected with RELB-related conditions. ClinVar contains an entry for this variant (Variation ID: 2082541). An algorithm developed to predict the effect of missense changes on protein structure and function (PolyPhen-2) suggests that this variant is likely to be tolerated. In summary, the available evidence is currently insufficient to determine the role of this variant in disease. Therefore, it has been classified as a Variant of Uncertain Significance.

Ambry Genetics
Classification: Uncertain significance. Last evaluated: 2024-03-18. Review status: criteria provided, single submitter. Criteria: Ambry Variant Classification Scheme 2023. Collection method: clinical testing. Allele origin: germline.

NM_006509.4(RELB):c.1134C>A (p.Asn378Lys)

Gene: RELB (RELB proto-oncogene, NF-kB subunit; plus strand). Cytogenetic location: 19q13.32.
Variant type: single nucleotide variant.
Coding change: c.1134C>A on transcript NM_006509.4 (MANE Select); coding-DNA position 1134, C replaced by A.
Protein change: p.Asn378Lys; replaces asparagine 378 with lysine.
Molecular consequence: missense variant.
Genome position (GRCh38, 1-based): chr19:45,032,676, C>A. VCF-style: chr19-45032676-C-A. GRCh37 (hg19) VCF-style: chr19-45535934-C-A.
Other names: c.1125C>A, p.Asn375Lys (NM_001411087.1); c.1134C>A (NM_006509.3); short protein forms N378K, N375K.
Identifiers: ClinVar variation 2082541 (VCV002082541.5), dbSNP rs370104310, ClinGen allele CA9507750.